The following is an entry in ClinVar:

NM_005523.6(HOXA11):c.881T>G (p.Met294Arg)

Gene: HOXA11 (homeobox A11; minus strand). Cytogenetic location: 7p15.2.
Variant type: single nucleotide variant.
Coding change: c.881T>G on transcript NM_005523.6 (MANE Select); coding-DNA position 881, T replaced by G.
Protein change: p.Met294Arg; replaces methionine 294 with arginine.
Molecular consequence: missense variant.
Genome position (GRCh38, 1-based): chr7:27,182,857, A>C on the plus strand (T>G on the coding strand, the complement: HOXA11 is on the minus strand). VCF-style: chr7-27182857-A-C. GRCh37 (hg19) VCF-style: chr7-27222476-A-C.
Other names: short protein forms M294R.
Identifiers: ClinVar variation 2203766 (VCV002203766.2), dbSNP rs2534803364, ClinGen allele CA367105897.

ClinVar aggregate classification (germline): Likely pathogenic (0 of 4 stars; one submission).

Conditions:
Mesomelic dysplasia with urogenital abnormalities.

Submission:

Department of Medical Genetics, Gazi University
Classification: Likely pathogenic for Mesomelic dysplasia with urogenital abnormalities. Last evaluated: 2023-01-23. Review status: no assertion criteria provided. Collection method: clinical testing. Allele origin: de novo. Inheritance: Sporadic. Affected: yes. Observed: 1 heterozygote.
Comment: This variant has not been reported in the literature, variant databases (ClinVar and LOVD), or population data (GnomAD). Other genes/loci, which were linked to mesomelic dysplasia and/or urogenital anomalies, were also screened by array CGH, and WES analyses, and any reportable variants were not detected. Also, there were not any additional rare variants in HOXA11 and its paralogs, HOXC11, and HOXD11 genes. The amino acid residue p.Met294 of HOXA11, in the homeodomain region, was conserved in the vertebrates with the surrounding sequence by multisequence alignment. This variant was predicted to be deleterious according to in silico tools (MutationTaster, SIFT, and Revel). Additionally, the mutant protein was estimated to interact with the wild-type protein by docking analysis. The ΔΔG results of the in silico predictions of DNA–mutant protein interaction were -2.04, 0.99, and 0.128412 kcal/mol according to mCSM, PremPDI, and SAMPDI, respectively.

Literature cited by the submitters: PubMed 35253374.